The following is an entry in ClinVar:

ClinVar aggregate classification (germline): Likely pathogenic (1 of 4 stars; one submission).

Conditions:
X-linked Alport syndrome (ATS1). Also called: COL4A5-Related Nephropathy; NEPHROPATHY AND DEAFNESS, X-LINKED. Identifiers: Orphanet 63, Orphanet 88917, MedGen C4746986, MONDO:0010520, OMIM 301050.

Submission:

Myriad Genetics, Inc.
Classification: Likely pathogenic for X-linked Alport syndrome. Last evaluated: 2022-02-05. Review status: criteria provided, single submitter. Criteria: Myriad Women's Health Autosomal Recessive and X-Linked Classification Criteria (2021). Collection method: clinical testing. Allele origin: unknown.
Comment: NM_000495.4(COL4A5):c.2180_2183delCTGG(P727Rfs*8) is expected to be pathogenic in the context of X-linked Alport syndrome. This variant is predicted to lead to an abnormal or absent protein product due to the creation of a premature termination codon in COL4A5, a gene where loss-of-function variants are known to be pathogenic. Please note: this variant was assessed in the context of healthy population screening.

NM_033380.3(COL4A5):c.2180_2183del (p.Pro727fs)

Gene: COL4A5 (collagen type IV alpha 5 chain; plus strand). Cytogenetic location: Xq22.3.
Variant type: Deletion.
Coding change: c.2180_2183del on transcript NM_033380.3 (MANE Select); coding-DNA positions 2180 to 2183, 4 bases deleted (CTGG; older notation c.2180_2183delCTGG).
Protein change: p.Pro727fs; shifts the reading frame from proline 727.
Molecular consequence: frameshift variant.
Genome position (GRCh38, 1-based): chrX:108,602,997-108,603,000, CTGG deleted. VCF-style (leftmost placement, unchanged base first): chrX-108602996-CCTGG-C. GRCh37 (hg19) VCF-style: chrX-107846226-CCTGG-C.
Other names: c.2180_2183del, p.Pro727fs (NM_000495.5); short protein forms P727fs.
Identifiers: ClinVar variation 1724317 (VCV001724317.2), dbSNP rs2524332992, ClinGen allele CA2580100323.